The following is an entry in ClinVar:

ClinVar aggregate classification (germline): Uncertain significance. Review status: criteria provided, multiple submitters, no conflicts (2 of 4 stars). 5 submissions from 5 submitters: Uncertain significance (5). Last evaluated 2025-11-19.

Conditions:
PKHD1-related disorder. Also called: PKHD1-related condition.
Polycystic kidney disease 4 (PKD4). Also called: POLYCYSTIC KIDNEY DISEASE 4 WITH OR WITHOUT POLYCYSTIC LIVER DISEASE; Autosomal Recessive Polycystic Kidney Disease – PKHD1; POLYCYSTIC KIDNEY AND HEPATIC DISEASE 1; POLYCYSTIC KIDNEY DISEASE, INFANTILE, TYPE I; PKD3. Identifiers: MedGen C4540575, MONDO:0033004, OMIM 263200.
Inborn genetic diseases. Identifiers: MedGen C0950123, MeSH D030342.
Autosomal recessive polycystic kidney disease (ARPKD). Also called: AR polycystic kidney disease. Identifiers: Orphanet 731, Orphanet 8378, MedGen C0085548, MeSH D017044, MONDO:0009889.

Allele frequency attached by ClinVar (database versions not stated): gnomAD exomes 0.00001 and 0.00002; ExAC 0.00002; TOPMed 0.00003; gnomAD 0.00004.
gnomAD v4.1: 19 of 1,613,714 alleles (0.0012%); highest among the groups gnomAD compares: African/African-American, 0.017%; no homozygotes.

Submissions (5):

PreventionGenetics, part of Exact Sciences
Classification: Uncertain significance for PKHD1-related condition. Last evaluated: 2025-11-19. Review status: criteria provided, single submitter. Criteria: ACMG Guidelines, 2015. Collection method: clinical testing. Allele origin: germline.
Comment: The PKHD1 c.10452T>G variant is predicted to result in the amino acid substitution p.Phe3484Leu. To our knowledge, this variant has not been reported in the literature. This variant is reported in 0.020% of alleles in individuals of African descent in gnomAD. At this time, the clinical significance of this variant is uncertain due to the absence of conclusive functional and genetic evidence.

Fulgent Genetics
Classification: Uncertain significance for Polycystic kidney disease 4. Last evaluated: 2024-05-01. Review status: criteria provided, single submitter. Criteria: ACMG Guidelines, 2015. Collection method: clinical testing. Allele origin: germline.

Ambry Genetics
Classification: Uncertain significance for Inborn genetic diseases. Last evaluated: 2024-03-01. Review status: criteria provided, single submitter. Criteria: Ambry Variant Classification Scheme 2023. Collection method: clinical testing. Allele origin: germline.

Labcorp Genetics (formerly Invitae), Labcorp
Classification: Uncertain significance for Autosomal recessive polycystic kidney disease. Last evaluated: 2021-09-24. Review status: criteria provided, single submitter. Criteria: Invitae Variant Classification Sherloc (09022015). Collection method: clinical testing. Allele origin: germline.
Comment: This sequence change replaces phenylalanine with leucine at codon 3484 of the PKHD1 protein (p.Phe3484Leu). The phenylalanine residue is weakly conserved and there is a small physicochemical difference between phenylalanine and leucine. This variant is present in population databases (rs545701882, ExAC 0.02%). This variant has not been reported in the literature in individuals with PKHD1-related conditions. ClinVar contains an entry for this variant (Variation ID: 597675). Advanced modeling of protein sequence and biophysical properties (such as structural, functional, and spatial information, amino acid conservation, physicochemical variation, residue mobility, and thermodynamic stability) performed at Invitae indicates that this missense variant is not expected to disrupt PKHD1 protein function. In summary, the available evidence is currently insufficient to determine the role of this variant in disease. Therefore, it has been classified as a Variant of Uncertain Significance.

Eurofins Ntd Llc (ga)
Classification: Uncertain significance. Last evaluated: 2018-06-19. Review status: criteria provided, single submitter. Criteria: EGL ClinVar v180209 classification definitions. Collection method: clinical testing. Allele origin: germline. Observed: 1 variant allele, 1 heterozygote.

NM_138694.4(PKHD1):c.10452T>G (p.Phe3484Leu)

Gene: PKHD1 (PKHD1 ciliary IPT domain containing fibrocystin/polyductin; minus strand). Cytogenetic location: 6p12.3.
Variant type: single nucleotide variant.
Coding change: c.10452T>G on transcript NM_138694.4 (MANE Select); coding-DNA position 10452, T replaced by G.
Protein change: p.Phe3484Leu; replaces phenylalanine 3484 with leucine.
Molecular consequence: missense variant.
Genome position (GRCh38, 1-based): chr6:51,659,674, A>C on the plus strand (T>G on the coding strand, the complement: PKHD1 is on the minus strand). VCF-style: chr6-51659674-A-C. GRCh37 (hg19) VCF-style: chr6-51524472-A-C.
Other names: c.10452T>G (NM_138694.3); short protein forms F3484L.
Identifiers: ClinVar variation 597675 (VCV000597675.10), dbSNP rs545701882, ClinGen allele CA3851076.